The following is an entry in ClinVar:

NM_018051.5(DYNC2I1):c.1676C>T (p.Pro559Leu)

Gene: DYNC2I1 (dynein 2 intermediate chain 1; plus strand). Cytogenetic location: 7q36.3.
Variant type: single nucleotide variant.
Coding change: c.1676C>T on transcript NM_018051.5 (MANE Select); coding-DNA position 1676, C replaced by T.
Protein change: p.Pro559Leu; replaces proline 559 with leucine.
Molecular consequence: missense variant.
Genome position (GRCh38, 1-based): chr7:158,913,070, C>T. VCF-style: chr7-158913070-C-T. GRCh37 (hg19) VCF-style: chr7-158705761-C-T.
Other names: c.1538C>T, p.Pro513Leu (NM_001350914.2); c.1103C>T, p.Pro368Leu (NM_001350915.2); c.215C>T, p.Pro72Leu (NM_001350916.2); c.428C>T, p.Pro143Leu (NM_001350917.2, NM_001350918.2); c.1676C>T (NM_018051.4); short protein forms P143L, P368L, P513L, P559L, P72L.
Identifiers: ClinVar variation 1680687 (VCV001680687.4), dbSNP rs187658316, ClinGen allele CA4594709.

ClinVar aggregate classification (germline): Uncertain significance. Review status: criteria provided, multiple submitters, no conflicts (2 of 4 stars). 2 submissions from 2 submitters: Uncertain significance (2). Last evaluated 2022-12-14.

Conditions:
Inborn genetic diseases. Identifiers: MedGen C0950123, MeSH D030342.
Short-rib thoracic dysplasia 8 with or without polydactyly (SRTD8). Also called: SHORT-RIB THORACIC DYSPLASIA 8 WITH POLYDACTYLY. Identifiers: Orphanet 93271, MedGen C3809691, MONDO:0014214, OMIM 615503.

Allele frequency attached by ClinVar (database versions not stated): gnomAD 0.00016 and 0.00018; gnomAD exomes 0.00019 and 0.00037; 1000 Genomes Project 0.00020; TOPMed 0.00021; ExAC 0.00028; 1000 Genomes Project 30x 0.00031; ESP Exome Variant Server 0.00042.
gnomAD v4.1: 556 of 1,613,222 alleles (0.034%); highest among the groups gnomAD compares: Non-Finnish European, 0.045%; no homozygotes.

Submissions (2):

Ambry Genetics
Classification: Uncertain significance for Inborn genetic diseases. Last evaluated: 2022-12-14. Review status: criteria provided, single submitter. Criteria: Ambry Variant Classification Scheme 2023. Collection method: clinical testing. Allele origin: germline.

Labcorp Genetics (formerly Invitae), Labcorp
Classification: Uncertain significance for Short-rib thoracic dysplasia 8 with or without polydactyly. Last evaluated: 2022-08-23. Review status: criteria provided, single submitter. Criteria: Invitae Variant Classification Sherloc (09022015). Collection method: clinical testing. Allele origin: germline.
Comment: This sequence change replaces proline, which is neutral and non-polar, with leucine, which is neutral and non-polar, at codon 559 of the WDR60 protein (p.Pro559Leu). This variant is present in population databases (rs187658316, gnomAD 0.03%). This variant has not been reported in the literature in individuals affected with WDR60-related conditions. ClinVar contains an entry for this variant (Variation ID: 1680687). Algorithms developed to predict the effect of missense changes on protein structure and function (SIFT, PolyPhen-2, Align-GVGD) all suggest that this variant is likely to be disruptive. In summary, the available evidence is currently insufficient to determine the role of this variant in disease. Therefore, it has been classified as a Variant of Uncertain Significance.